The following is an entry in ClinVar:

ClinVar aggregate classification (germline): Uncertain significance (1 of 4 stars; one submission).

Conditions:
Familial cancer of breast. Also called: BREAST CANCER, FAMILIAL; hereditary breast carcinoma; Hereditary breast cancer. Identifiers: Orphanet 227535, MedGen C0346153, MONDO:0016419, OMIM 114480. Disease mechanism: loss of function.

Submission:

Labcorp Genetics (formerly Invitae), Labcorp
Classification: Uncertain significance for Familial cancer of breast. Last evaluated: 2025-11-25. Review status: criteria provided, single submitter. Criteria: Invitae Variant Classification Sherloc (09022015). Collection method: clinical testing. Allele origin: germline.
Comment: This sequence change replaces aspartic acid, which is acidic and polar, with asparagine, which is neutral and polar, at codon 162 of the CHEK2 protein (p.Asp162Asn). This variant is not present in population databases (gnomAD no frequency). This variant has not been reported in the literature in individuals affected with CHEK2-related conditions. ClinVar contains an entry for this variant (Variation ID: 641006). An algorithm developed to predict the effect of missense changes on protein structure and function (PolyPhen-2) suggests that this variant is likely to be disruptive. In summary, the available evidence is currently insufficient to determine the role of this variant in disease. Therefore, it has been classified as a Variant of Uncertain Significance.

NM_007194.4(CHEK2):c.484G>A (p.Asp162Asn)

Gene: CHEK2 (checkpoint kinase 2; minus strand). Cytogenetic location: 22q12.1.
Variant type: single nucleotide variant.
Coding change: c.484G>A on transcript NM_007194.4 (MANE Select); coding-DNA position 484, G replaced by A.
Protein change: p.Asp162Asn; replaces aspartic acid 162 with asparagine.
Molecular consequence: missense variant. On other transcripts: 5 prime UTR variant (2), intron variant (1).
Genome position (GRCh38, 1-based): chr22:28,725,085, C>T on the plus strand (G>A on the coding strand, the complement: CHEK2 is on the minus strand). VCF-style: chr22-28725085-C-T. GRCh37 (hg19) VCF-style: chr22-29121073-C-T.
Other names: c.613G>A, p.Asp205Asn (NM_001005735.3, NM_001438294.1); c.-294G>A (NM_001257387.3); c.-180G>A (NM_001437942.1); c.577G>A, p.Asp193Asn (NM_001438293.1, NM_001438295.1); c.484G>A, p.Asp162Asn (NM_145862.3); c.444+158G>A (NM_001349956.3); short protein forms D205N, D162N, D193N.
Identifiers: ClinVar variation 641006 (VCV000641006.11), dbSNP rs1555926943, ClinGen allele CA411107577.